The following is an entry in ClinVar:

NM_001112741.2(KCNC1):c.320T>C (p.Met107Thr)

Gene: KCNC1 (potassium voltage-gated channel subfamily C member 1; plus strand). Cytogenetic location: 11p15.1.
Variant type: single nucleotide variant.
Coding change: c.320T>C on transcript NM_001112741.2 (MANE Select); coding-DNA position 320, T replaced by C.
Protein change: p.Met107Thr; replaces methionine 107 with threonine.
Molecular consequence: missense variant.
Genome position (GRCh38, 1-based): chr11:17,736,322, T>C. VCF-style: chr11-17736322-T-C. GRCh37 (hg19) VCF-style: chr11-17757869-T-C.
Other names: c.320T>C, p.Met107Thr (NM_004976.4); short protein forms M107T.
Identifiers: ClinVar variation 1718081 (VCV001718081.6), dbSNP rs2497736407, ClinGen allele CA379800339.

ClinVar aggregate classification (germline): Uncertain significance (1 of 4 stars; one submission).

Conditions:
Progressive myoclonic epilepsy type 7. Identifiers: Orphanet 435438, MedGen C4015420, MONDO:0014521, OMIM 616187.

Submission:

Labcorp Genetics (formerly Invitae), Labcorp
Classification: Uncertain significance for Progressive myoclonic epilepsy type 7. Last evaluated: 2022-08-26. Review status: criteria provided, single submitter. Criteria: Invitae Variant Classification Sherloc (09022015). Collection method: clinical testing. Allele origin: germline.
Comment: This variant has not been reported in the literature in individuals affected with KCNC1-related conditions. Advanced modeling of protein sequence and biophysical properties (such as structural, functional, and spatial information, amino acid conservation, physicochemical variation, residue mobility, and thermodynamic stability) performed at Invitae indicates that this missense variant is expected to disrupt KCNC1 protein function. In summary, the available evidence is currently insufficient to determine the role of this variant in disease. Therefore, it has been classified as a Variant of Uncertain Significance. This sequence change replaces methionine, which is neutral and non-polar, with threonine, which is neutral and polar, at codon 107 of the KCNC1 protein (p.Met107Thr). This variant is not present in population databases (gnomAD no frequency).